The following is an entry in ClinVar:

NM_000537.4(REN):c.511A>G (p.Thr171Ala)

Gene: REN (renin; minus strand). Cytogenetic location: 1q32.1.
Variant type: single nucleotide variant.
Coding change: c.511A>G on transcript NM_000537.4 (MANE Select); coding-DNA position 511, A replaced by G.
Protein change: p.Thr171Ala; replaces threonine 171 with alanine.
Molecular consequence: missense variant.
Genome position (GRCh38, 1-based): chr1:204,159,577, T>C on the plus strand (A>G on the coding strand, the complement: REN is on the minus strand). VCF-style: chr1-204159577-T-C. GRCh37 (hg19) VCF-style: chr1-204128705-T-C.
Other names: short protein forms T171A.
Identifiers: ClinVar variation 4763896 (VCV004763896.1).

ClinVar aggregate classification (germline): Uncertain significance (1 of 4 stars; one submission).

Submission:

Labcorp Genetics (formerly Invitae), Labcorp
Classification: Uncertain significance. Last evaluated: 2025-04-01. Review status: criteria provided, single submitter. Criteria: Invitae Variant Classification Sherloc (09022015). Collection method: clinical testing. Allele origin: germline.
Comment: This sequence change replaces threonine, which is neutral and polar, with alanine, which is neutral and non-polar, at codon 171 of the REN protein (p.Thr171Ala). This variant is not present in population databases (gnomAD no frequency). This variant has not been reported in the literature in individuals affected with REN-related conditions. Invitae Evidence Modeling of protein sequence and biophysical properties (such as structural, functional, and spatial information, amino acid conservation, physicochemical variation, residue mobility, and thermodynamic stability) indicates that this missense variant is not expected to disrupt REN protein function with a negative predictive value of 80%. In summary, the available evidence is currently insufficient to determine the role of this variant in disease. Therefore, it has been classified as a Variant of Uncertain Significance.